The following is an entry in ClinVar:

ClinVar aggregate classification (germline): Uncertain significance (1 of 4 stars; one submission).

Submission:

GeneDx
Classification: Uncertain significance. Last evaluated: 2024-11-12. Review status: criteria provided, single submitter. Criteria: GeneDx Variant Classification Process June 2021. Collection method: clinical testing. Allele origin: germline. Affected: yes.
Comment: Not observed at significant frequency in large population cohorts (gnomAD); In silico analysis indicates that this missense variant does not alter protein structure/function; Has not been previously published as pathogenic or benign to our knowledge

NM_001386135.1(AFF3):c.1265G>C (p.Ser422Thr)

Gene: AFF3 (ALF transcription elongation factor 3; minus strand). Cytogenetic location: 2q11.2.
Variant type: single nucleotide variant.
Coding change: c.1265G>C on transcript NM_001386135.1 (MANE Select); coding-DNA position 1265, G replaced by C.
Protein change: p.Ser422Thr; replaces serine 422 with threonine.
Molecular consequence: missense variant.
Genome position (GRCh38, 1-based): chr2:99,601,541, C>G on the plus strand (G>C on the coding strand, the complement: AFF3 is on the minus strand). VCF-style: chr2-99601541-C-G. GRCh37 (hg19) VCF-style: chr2-100218003-C-G.
Other names: c.1340G>C, p.Ser447Thr (NM_001025108.2); c.1265G>C, p.Ser422Thr (NM_002285.3); short protein forms S422T, S447T.
Identifiers: ClinVar variation 3899100 (VCV003899100.1).